The following is an entry in ClinVar:

ClinVar aggregate classification (germline): Uncertain significance (0 of 4 stars; one submission).

Conditions:
CRP-related disorder. Also called: CRP-related condition.

Submission:

PreventionGenetics, part of Exact Sciences
Classification: Uncertain significance for CRP-related condition. Last evaluated: 2024-02-01. Review status: no assertion criteria provided. Collection method: clinical testing. Allele origin: germline.
Comment: The CRP c.357G>C variant is predicted to result in the amino acid substitution p.Glu119Asp. To our knowledge, this variant has not been reported in the literature or in a large population database, indicating this variant is rare. At this time, the clinical significance of this variant is uncertain due to the absence of conclusive functional and genetic evidence.

NM_000567.3(CRP):c.357G>C (p.Glu119Asp)

Gene: CRP (C-reactive protein; minus strand). Cytogenetic location: 1q23.2.
Variant type: single nucleotide variant.
Coding change: c.357G>C on transcript NM_000567.3 (MANE Select); coding-DNA position 357, G replaced by C.
Protein change: p.Glu119Asp; replaces glutamic acid 119 with aspartic acid.
Molecular consequence: missense variant. On other transcripts: intron variant (2).
Genome position (GRCh38, 1-based): chr1:159,713,843, C>G on the plus strand (G>C on the coding strand, the complement: CRP is on the minus strand). VCF-style: chr1-159713843-C-G. GRCh37 (hg19) VCF-style: chr1-159683633-C-G.
Other names: c.357G>C, p.Glu119Asp (NM_001329057.2); c.193+164G>C (NM_001382703.1); c.197+160G>C (NM_001329058.2); short protein forms E119D.
Identifiers: ClinVar variation 3061216 (VCV003061216.2), dbSNP rs2525660438, ClinGen allele CA343454285.